The following is an entry in ClinVar:

ClinVar aggregate classification (germline): Uncertain significance. Review status: criteria provided, multiple submitters, no conflicts (2 of 4 stars). 2 submissions from 2 submitters: Uncertain significance (2). Last evaluated 2025-12-14.

Conditions:
Hereditary cancer-predisposing syndrome. Also called: Neoplastic Syndromes, Hereditary; Tumor predisposition; Hereditary Cancer Syndrome; Hereditary neoplastic syndrome. Identifiers: Orphanet 140162, MedGen C0027672, MeSH D009386, MONDO:0015356.
EGFR-related lung cancer (EGFR). Identifiers: MedGen CN130014.

Allele frequency attached by ClinVar (database versions not stated): gnomAD exomes below 0.00001 and 0.00001.
gnomAD v4.1: 1 of 1,614,080 alleles (0.000062%); highest among the groups gnomAD compares: Non-Finnish European, 0.000085%; no homozygotes.

Submissions (2):

Labcorp Genetics (formerly Invitae), Labcorp
Classification: Uncertain significance for EGFR-related lung cancer. Last evaluated: 2025-12-14. Review status: criteria provided, single submitter. Criteria: Invitae Variant Classification Sherloc (09022015). Collection method: clinical testing. Allele origin: germline.
Comment: This sequence change replaces threonine, which is neutral and polar, with alanine, which is neutral and non-polar, at codon 605 of the EGFR protein (p.Thr605Ala). This variant is present in population databases (no rsID available, gnomAD 0.002%). This variant has not been reported in the literature in individuals affected with EGFR-related conditions. ClinVar contains an entry for this variant (Variation ID: 1000851). Invitae Evidence Modeling of protein sequence and biophysical properties (such as structural, functional, and spatial information, amino acid conservation, physicochemical variation, residue mobility, and thermodynamic stability) indicates that this missense variant is not expected to disrupt EGFR protein function with a negative predictive value of 80%. In summary, the available evidence is currently insufficient to determine the role of this variant in disease. Therefore, it has been classified as a Variant of Uncertain Significance.

Ambry Genetics
Classification: Uncertain significance for Hereditary cancer-predisposing syndrome. Last evaluated: 2025-06-16. Review status: criteria provided, single submitter. Criteria: Ambry Variant Classification Scheme 2023. Collection method: clinical testing. Allele origin: germline.
Comment: The p.T605A variant (also known as c.1813A>G), located in coding exon 15 of the EGFR gene, results from an A to G substitution at nucleotide position 1813. The threonine at codon 605 is replaced by alanine, an amino acid with similar properties. This amino acid position is well conserved in available vertebrate species. In addition, the in silico prediction for this alteration is inconclusive. Based on the available evidence, the clinical significance of this variant remains unclear.

NM_005228.5(EGFR):c.1813A>G (p.Thr605Ala)

Gene: EGFR (epidermal growth factor receptor; plus strand). Cytogenetic location: 7p11.2.
Variant type: single nucleotide variant.
Coding change: c.1813A>G on transcript NM_005228.5 (MANE Select); coding-DNA position 1813, A replaced by G.
Protein change: p.Thr605Ala; replaces threonine 605 with alanine.
Molecular consequence: missense variant.
Genome position (GRCh38, 1-based): chr7:55,165,370, A>G. VCF-style: chr7-55165370-A-G. GRCh37 (hg19) VCF-style: chr7-55233063-A-G.
Other names: c.1678A>G, p.Thr560Ala (NM_001346897.2, NM_001346899.2); c.1813A>G, p.Thr605Ala (NM_001346898.2, NM_201282.2, NM_201284.2); c.1654A>G, p.Thr552Ala (NM_001346900.2); c.1012A>G, p.Thr338Ala (NM_001346941.2); c.1813A>G (NM_005228.3); short protein forms T338A, T552A, T560A, T605A.
Identifiers: ClinVar variation 1000851 (VCV001000851.9), dbSNP rs1436144358, ClinGen allele CA367580940.